The following is an entry in ClinVar:

NM_000090.4(COL3A1):c.1982C>A (p.Pro661Gln)

Gene: COL3A1 (collagen type III alpha 1 chain; plus strand). Cytogenetic location: 2q32.2.
Variant type: single nucleotide variant.
Coding change: c.1982C>A on transcript NM_000090.4 (MANE Select); coding-DNA position 1982, C replaced by A.
Protein change: p.Pro661Gln; replaces proline 661 with glutamine.
Molecular consequence: missense variant.
Genome position (GRCh38, 1-based): chr2:188,998,678, C>A. VCF-style: chr2-188998678-C-A. GRCh37 (hg19) VCF-style: chr2-189863404-C-A.
Other names: short protein forms P661Q.
Identifiers: ClinVar variation 4756949 (VCV004756949.1).

ClinVar aggregate classification (germline): Uncertain significance (1 of 4 stars; one submission).

Conditions:
Familial thoracic aortic aneurysm and aortic dissection (TAAD). Also called: Thoracic aortic aneurysms and dissections. Identifiers: Orphanet 91387, MedGen C4707243, MONDO:0019625.

gnomAD v4.1: 1 of 1,613,702 alleles (0.000062%); highest among the groups gnomAD compares: Non-Finnish European, 0.000085%; no homozygotes.

Submission:

Color Diagnostics, LLC DBA Color Health
Classification: Uncertain significance for Familial thoracic aortic aneurysm and aortic dissection. Last evaluated: 2025-06-17. Review status: criteria provided, single submitter. Criteria: ACMG Guidelines, 2015. Collection method: clinical testing. Allele origin: germline.
Comment: This missense variant replaces proline with glutamine at codon 661 of the COL3A1 protein. Computational prediction is inconclusive regarding the impact of this variant on protein structure and function. To our knowledge, functional studies have not been reported for this variant. This variant has not been reported in individuals affected with COL3A1-related disorders in the literature. This variant has not been identified in the general population by the Genome Aggregation Database (gnomAD). The available evidence is insufficient to determine the role of this variant in disease conclusively. Therefore, this variant is classified as a Variant of Uncertain Significance.